The following is an entry in ClinVar:

ClinVar aggregate classification (germline): Uncertain significance (1 of 4 stars; one submission).

Allele frequency attached by ClinVar (database versions not stated): TOPMed 0.00002; gnomAD 0.00003; ExAC 0.00001.

Submission:

Labcorp Genetics (formerly Invitae), Labcorp
Classification: Uncertain significance. Last evaluated: 2024-03-04. Review status: criteria provided, single submitter. Criteria: Invitae Variant Classification Sherloc (09022015). Collection method: clinical testing. Allele origin: germline.
Comment: This sequence change falls in intron 3 of the SLC30A10 gene. It does not directly change the encoded amino acid sequence of the SLC30A10 protein. It affects a nucleotide within the consensus splice site. This variant is present in population databases (rs768813643, gnomAD 0.007%). This variant has not been reported in the literature in individuals affected with SLC30A10-related conditions. ClinVar contains an entry for this variant (Variation ID: 1942894). Variants that disrupt the consensus splice site are a relatively common cause of aberrant splicing (PMID: 17576681, 9536098). Algorithms developed to predict the effect of sequence changes on RNA splicing suggest that this variant may disrupt the consensus splice site. In summary, the available evidence is currently insufficient to determine the role of this variant in disease. Therefore, it has been classified as a Variant of Uncertain Significance.

Literature cited by the submitters: PubMed 17576681; PubMed 9536098.

NM_018713.3(SLC30A10):c.958+2dup

Gene: SLC30A10 (solute carrier family 30 member 10; minus strand). Cytogenetic location: 1q41.
Variant type: Duplication.
Coding change: c.958+2dup on transcript NM_018713.3 (MANE Select); the canonical splice donor site of the intron after coding-DNA position 958, one base duplicated (T; older notation c.958+2dupT).
Molecular consequence: splice donor variant.
Genome position (GRCh38, 1-based): chr1:219,918,253, A duplicated on the plus strand (T on the coding strand, the reverse complement: SLC30A10 is on the minus strand). VCF-style (leftmost placement, unchanged base first): chr1-219918252-T-TA. GRCh37 (hg19) VCF-style: chr1-220091594-T-TA.
Other names: c.769+2dup (NM_001376929.1).
Identifiers: ClinVar variation 1942894 (VCV001942894.5), dbSNP rs768813643, ClinGen allele CA1399205.